The following is an entry in ClinVar:

ClinVar aggregate classification (germline): Likely benign. Review status: criteria provided, multiple submitters, no conflicts (2 of 4 stars). 5 submissions from 5 submitters: Likely benign (5). Last evaluated 2026-01-07.

Conditions:
Marfan syndrome (MFS). Also called: FBN1-Related Marfan Syndrome; Marfan's syndrome; MARFAN SYNDROME, TYPE I; Marfan syndrome type 1; Marfan syndrome, classic. Identifiers: Orphanet 284963, Orphanet 558, MedGen C0024796, MONDO:0007947, OMIM 154700.
Familial thoracic aortic aneurysm and aortic dissection (TAAD). Also called: Thoracic aortic aneurysms and dissections. Identifiers: Orphanet 91387, MedGen C4707243, MONDO:0019625.

Allele frequency attached by ClinVar (database versions not stated): gnomAD 0.00001; TOPMed 0.00001; ExAC 0.00001; gnomAD exomes 0.00001.
gnomAD v4.1: 12 of 1,613,942 alleles (0.00074%); highest among the groups gnomAD compares: African/African-American, 0.0013%; no homozygotes.

Submissions (5):

Labcorp Genetics (formerly Invitae), Labcorp
Classification: Likely benign for Marfan syndrome; Familial thoracic aortic aneurysm and aortic dissection. Last evaluated: 2026-01-07. Review status: criteria provided, single submitter. Criteria: Invitae Variant Classification Sherloc (09022015). Collection method: clinical testing. Allele origin: germline.

Ambry Genetics
Classification: Likely benign for Familial thoracic aortic aneurysm and aortic dissection. Last evaluated: 2024-07-04. Review status: criteria provided, single submitter. Criteria: Ambry Variant Classification Scheme 2023. Collection method: clinical testing. Allele origin: germline.

All of Us Research Program, National Institutes of Health
Classification: Likely benign for Marfan syndrome. Last evaluated: 2023-08-15. Review status: criteria provided, single submitter. Criteria: ACMG Guidelines, 2015. Collection method: clinical testing. Allele origin: germline. Inheritance: Autosomal dominant inheritance. Observed: 3 variant alleles, 3 heterozygotes.
Comment: This study involves interpretation of variants in research participants for the purpose of population health screening. Participant phenotype was not available at the time of variant classification. Additional details can be found in publication PMID: 35346344, PMCID: PMC8962531

Color Diagnostics, LLC DBA Color Health
Classification: Likely benign for Familial thoracic aortic aneurysm and aortic dissection. Last evaluated: 2019-09-16. Review status: criteria provided, single submitter. Criteria: ACMG Guidelines, 2015. Collection method: clinical testing. Allele origin: germline.

GeneDx
Classification: Likely benign. Last evaluated: 2019-08-16. Review status: criteria provided, single submitter. Criteria: GeneDx Variant Classification Process June 2021. Collection method: clinical testing. Allele origin: germline. Affected: yes.

NM_000138.5(FBN1):c.1131T>C (p.Cys377=)

Genes: FBN1 (fibrillin 1; minus strand), LOC113939944 (Sharpr-MPRA regulatory region 9539; plus strand). Cytogenetic location: 15q21.1.
Variant type: single nucleotide variant.
Coding change: c.1131T>C on transcript NM_000138.5 (MANE Select); coding-DNA position 1131, T replaced by C.
Protein change: p.Cys377=; no amino-acid change (cysteine 377 retained).
Molecular consequence: synonymous variant.
Genome position (GRCh38, 1-based): chr15:48,520,675, A>G on the plus strand (T>C on the coding strand, the complement: FBN1 is on the minus strand). VCF-style: chr15-48520675-A-G. GRCh37 (hg19) VCF-style: chr15-48812872-A-G.
Identifiers: ClinVar variation 807249 (VCV000807249.26), dbSNP rs769211348, ClinGen allele CA043606.
Genomic context (GRCh38, chr15:48,520,675, plus strand): 5'-GGGCTGGGATGGGATATTCTGCAGATAACTGGAAGGGCTCTTACCGGTTGCTCTGATGGG[A>G]CACATCTCAGGGGCGACAGTGACCCCTGGAGACCAGCATCGGCCGGCATCACAGCAGCAC-3'
Protein context (NP_000129.3, residues 367-387): SPGVTVAPEM[Cys377=]PIRATEDFNK